The following is an entry in ClinVar:

NM_000108.5(DLD):c.1351C>T (p.Leu451=)

Gene: DLD (dihydrolipoamide dehydrogenase; plus strand). Cytogenetic location: 7q31.1.
Variant type: single nucleotide variant.
Coding change: c.1351C>T on transcript NM_000108.5 (MANE Select); coding-DNA position 1351, C replaced by T.
Protein change: p.Leu451=; no amino-acid change (leucine 451 retained).
Molecular consequence: synonymous variant.
Genome position (GRCh38, 1-based): chr7:107,918,038, C>T. VCF-style: chr7-107918038-C-T. GRCh37 (hg19) VCF-style: chr7-107558483-C-T.
Other names: p.L451L:CTG>TTG; c.1054C>T, p.Leu352= (NM_001289750.1); c.1282C>T, p.Leu428= (NM_001289751.1); c.1207C>T, p.Leu403= (NM_001289752.1).
Identifiers: ClinVar variation 137100 (VCV000137100.19), dbSNP rs1803921, ClinGen allele CA290611.
Genomic context (GRCh38, chr7:107,918,038, plus strand): 5'-ACAAATGCTGACACAGATGGCATGGTGAAGATCCTTGGGCAGAAATCGACAGACAGAGTA[C>T]TGGGAGCACATATTCTTGGACCAGTGAGTATTGTAAAACCAGAGAAATCCCATTAAGATT-3'
Protein context (NP_000099.2, residues 441-461): ILGQKSTDRV[Leu451=]GAHILGPGAG

ClinVar aggregate classification (germline): Benign. Review status: criteria provided, multiple submitters, no conflicts (2 of 4 stars). 8 submissions from 6 submitters: Benign (6). 2 of the submissions do not count toward it. Last evaluated 2026-02-04.

Conditions:
Pyruvate dehydrogenase complex deficiency (PDHC). Also called: PYRUVATE DECARBOXYLASE DEFICIENCY; Pyruvate Dehydrogenase Complex Deficiency Disease; Pyruvate dehydrogenase deficiency; Ataxia with lactic acidosis 1; PDH DEFICIENCY. Identifiers: Orphanet 765, Orphanet 79243, MedGen C0034345, MONDO:0019169.
Pyruvate dehydrogenase E3 deficiency (DLDD). Also called: Dihydrolipoamide Dehydrogenase E3 Deficiency; Lipoamide dehydrogenase deficiency; Dihydrolipoamide Dehydrogenase (E3) Deficiency; Dihydrolipoamide Dehydrogenase Deficiency; MAPLE SYRUP URINE DISEASE, TYPE III; DLD DEFICIENCY. Identifiers: Orphanet 2394, Orphanet 765, MedGen C5574660, MONDO:0009529, OMIM 246900.
Leigh syndrome (NULS). Also called: LEIGH SYNDROME, NUCLEAR; Leigh's syndrome; Leigh Syndrome (mtDNA deletion); Leigh Disease; Subacute necrotizing encephalopathy; Necrotizing encephalopathy infantile subacute of Leigh. Identifiers: Orphanet 506, MedGen C2931891, MONDO:0009723, OMIM 256000.

Allele frequency attached by ClinVar (database versions not stated): ExAC 0.01311; gnomAD 0.04069 and 0.04354; ESP Exome Variant Server 0.04344; gnomAD exomes 0.00405 and 0.01034; TOPMed 0.04645; 1000 Genomes Project 0.04653; 1000 Genomes Project 30x 0.04919.
gnomAD v4.1: 12,364 of 1,613,944 alleles (0.77%); highest among the groups gnomAD compares: African/African-American, 15%; 872 homozygotes.

Submissions (8):

Labcorp Genetics (formerly Invitae), Labcorp
Classification: Benign for Pyruvate dehydrogenase E3 deficiency. Last evaluated: 2026-02-04. Review status: criteria provided, single submitter. Criteria: Invitae Variant Classification Sherloc (09022015). Collection method: clinical testing. Allele origin: germline.

Illumina Laboratory Services, Illumina
Classification: Benign for Pyruvate dehydrogenase complex deficiency. Last evaluated: 2018-01-13. Review status: criteria provided, single submitter. Criteria: ICSL Variant Classification Criteria 13 December 2019. Collection method: clinical testing. Allele origin: germline.
Comment: This variant was observed in the ICSL laboratory as part of a predisposition screen in an ostensibly healthy population. It had not been previously curated by ICSL or reported in the Human Gene Mutation Database (HGMD: prior to June 1st, 2018), and was therefore a candidate for classification through an automated scoring system. Utilizing variant allele frequency, disease prevalence and penetrance estimates, and inheritance mode, an automated score was calculated to assess if this variant is too frequent to cause the disease. Based on the score and internal cut-off values, a variant classified as benign is not then subjected to further curation. The score for this variant resulted in a classification of benign for this disease.

Illumina Laboratory Services, Illumina
Classification: Benign for Leigh syndrome. Last evaluated: 2018-01-13. Review status: criteria provided, single submitter. Criteria: ICSL Variant Classification Criteria 13 December 2019. Collection method: clinical testing. Allele origin: germline.
Comment: the same text as in the submission from Illumina Laboratory Services, Illumina above.

Illumina Laboratory Services, Illumina
Classification: Benign for Pyruvate dehydrogenase E3 deficiency. Last evaluated: 2018-01-13. Review status: criteria provided, single submitter. Criteria: ICSL Variant Classification Criteria 13 December 2019. Collection method: clinical testing. Allele origin: germline.
Comment: the same text as in the submission from Illumina Laboratory Services, Illumina above.

GeneDx
Classification: Benign. Last evaluated: 2011-12-09. Review status: criteria provided, single submitter. Criteria: GeneDx Variant Classification (06012015). Collection method: clinical testing. Allele origin: germline. Affected: yes.
Comment: This variant is considered likely benign or benign based on one or more of the following criteria: it is a conservative change, it occurs at a poorly conserved position in the protein, it is predicted to be benign by multiple in silico algorithms, and/or has population frequency not consistent with disease.

Breakthrough Genomics
Classification: Benign. Review status: criteria provided, single submitter. Criteria: ACMG Guidelines, 2015. Collection method: not provided. Allele origin: germline. Inheritance: Autosomal recessive inheritance. Affected: yes.

Natera, Inc.
Classification: Benign for Maple syrup urine disease type 3. Last evaluated: 2020-09-16. Review status: no assertion criteria provided. Collection method: clinical testing. Allele origin: germline. Not counted in ClinVar's aggregate classification.

Mayo Clinic Laboratories, Mayo Clinic
Classification: Benign. Last evaluated: 2017-09-15. Review status: no assertion criteria provided. Collection method: clinical testing. Allele origin: unknown. Not counted in ClinVar's aggregate classification.